The following is an entry in ClinVar:

NM_001312909.2(FAM111A):c.1238G>T (p.Gly413Val)

Gene: FAM111A (FAM111 trypsin like peptidase A; plus strand). Cytogenetic location: 11q12.1.
Variant type: single nucleotide variant.
Coding change: c.1238G>T on transcript NM_001312909.2 (MANE Select); coding-DNA position 1238, G replaced by T.
Protein change: p.Gly413Val; replaces glycine 413 with valine.
Molecular consequence: missense variant.
Genome position (GRCh38, 1-based): chr11:59,152,906, G>T. VCF-style: chr11-59152906-G-T. GRCh37 (hg19) VCF-style: chr11-58920379-G-T.
Other names: c.1238G>T, p.Gly413Val (NM_001142519.3, NM_001142520.3, NM_001142521.3 and 29 more transcripts); short protein forms G413V.
Identifiers: ClinVar variation 2800538 (VCV002800538.3), dbSNP rs371140351, ClinGen allele CA380782532.

ClinVar aggregate classification (germline): Uncertain significance (1 of 4 stars; one submission).

Submission:

Labcorp Genetics (formerly Invitae), Labcorp
Classification: Uncertain significance. Last evaluated: 2023-01-30. Review status: criteria provided, single submitter. Criteria: Invitae Variant Classification Sherloc (09022015). Collection method: clinical testing. Allele origin: germline.
Comment: In summary, the available evidence is currently insufficient to determine the role of this variant in disease. Therefore, it has been classified as a Variant of Uncertain Significance. Advanced modeling of protein sequence and biophysical properties (such as structural, functional, and spatial information, amino acid conservation, physicochemical variation, residue mobility, and thermodynamic stability) performed at Invitae indicates that this missense variant is not expected to disrupt FAM111A protein function. This variant has not been reported in the literature in individuals affected with FAM111A-related conditions. This variant is not present in population databases (gnomAD no frequency). This sequence change replaces glycine, which is neutral and non-polar, with valine, which is neutral and non-polar, at codon 413 of the FAM111A protein (p.Gly413Val).